The following is an entry in ClinVar:

NM_006614.4(CHL1):c.1706G>A (p.Ser569Asn)

Genes: CHL1 (cell adhesion molecule L1 like; plus strand), CHL1-AS1 (CHL1 antisense RNA 1; minus strand). Cytogenetic location: 3p26.3.
Variant type: single nucleotide variant.
Coding change: c.1706G>A on transcript NM_006614.4 (MANE Select); coding-DNA position 1706, G replaced by A.
Protein change: p.Ser569Asn; replaces serine 569 with asparagine.
Molecular consequence: missense variant.
Genome position (GRCh38, 1-based): chr3:366,070, G>A. VCF-style: chr3-366070-G-A. GRCh37 (hg19) VCF-style: chr3-407753-G-A.
Other names: c.1658G>A, p.Ser553Asn (NM_001253387.2); c.1706G>A, p.Ser569Asn (NM_001253388.1); short protein forms S569N, S553N.
Identifiers: ClinVar variation 740758 (VCV000740758.5), dbSNP rs138000940, ClinGen allele CA2224817.
Genomic context (GRCh38, chr3:366,070, plus strand): 5'-AATTACATTGTGAAAGCAAATGTGACTCACATTTGAAACACAGTTTGAAGTTGTCCTGGA[G>A]TAAAGATGGAGAAGCCTTTGAAATTAATGGCACAGAAGATGGCAGGTAGGTAAACTATTA-3'
Protein context (NP_006605.2, residues 559-579): HLKHSLKLSW[Ser569Asn]KDGEAFEING

ClinVar aggregate classification (germline): Likely benign. Review status: criteria provided, single submitter (1 of 4 stars). 2 submissions from 2 submitters: Likely benign (1). 1 of the submissions does not count toward it. Last evaluated 2018-06-09.

Conditions:
CHL1-related disorder. Also called: CHL1-related condition.

Allele frequency attached by ClinVar (database versions not stated): gnomAD exomes 0.00017 and 0.00027; ExAC 0.00029; 1000 Genomes Project 0.00060; 1000 Genomes Project 30x 0.00078; ESP Exome Variant Server 0.00100; gnomAD 0.00111 and 0.00123; TOPMed 0.00138.
gnomAD v4.1: 435 of 1,613,958 alleles (0.027%); highest among the groups gnomAD compares: African/African-American, 0.4%; 1 homozygote.

Submissions (2):

Labcorp Genetics (formerly Invitae), Labcorp
Classification: Likely benign. Last evaluated: 2018-06-09. Review status: criteria provided, single submitter. Criteria: Invitae Variant Classification Sherloc (09022015). Collection method: clinical testing. Allele origin: germline.

PreventionGenetics, part of Exact Sciences
Classification: Likely benign for CHL1-related condition. Last evaluated: 2022-11-11. Review status: no assertion criteria provided. Collection method: clinical testing. Allele origin: germline. Not counted in ClinVar's aggregate classification.
Comment: This variant is classified as likely benign based on ACMG/AMP sequence variant interpretation guidelines (Richards et al. 2015 PMID: 25741868, with internal and published modifications).